The following is an entry in ClinVar:

ClinVar aggregate classification (germline): Conflicting classifications of pathogenicity. Review status: criteria provided, conflicting classifications (1 of 4 stars). 4 submissions from 4 submitters: Pathogenic (1); Likely pathogenic (1); Uncertain significance (1). 1 of the submissions does not count toward it. Last evaluated 2020-10-23.

Conditions:
Intellectual developmental disorder, autosomal dominant 57. Also called: Intellectual disability, autosomal dominant 57; MENTAL RETARDATION, AUTOSOMAL DOMINANT 57. Identifiers: MedGen C4748003, MONDO:0054837, OMIM 618050.

Submissions (4):

Institute of Medical Genetics and Applied Genomics, University Hospital Tübingen
Classification: Likely pathogenic. Last evaluated: 2020-10-23. Review status: criteria provided, single submitter. Criteria: ACMG Guidelines, 2015. Collection method: clinical testing. Allele origin: germline. Inheritance: Autosomal dominant inheritance. Affected: yes.

GeneDx
Classification: Pathogenic. Last evaluated: 2020-03-25. Review status: criteria provided, single submitter. Criteria: GeneDx Variant Classification Process June 2021. Collection method: clinical testing. Allele origin: germline. Affected: yes.
Comment: Nonsense variant in the C-terminus predicted to result in protein truncation, as the last 53 amino acids are lost, and other loss-of-function variants have been reported downstream at GeneDx and in the Human Gene Mutation Database (Stenson et al., 2014); Not observed in large population cohorts (Lek et al., 2016); This variant is associated with the following publications: (PMID: 27479843, 29861108)

SIB Swiss Institute of Bioinformatics
Classification: Uncertain significance for Intellectual developmental disorder, autosomal dominant 57. Last evaluated: 2018-10-15. Review status: criteria provided, single submitter. Criteria: ACMG Guidelines, 2015. Collection method: curation. Allele origin: de novo.
Comment: This variant is interpreted as Uncertain Significance - Insufficient Evidence, for Mental retardation, autosomal dominant 57. The following ACMG Tag(s) were applied: PM2 => Absent from controls (or at extremely low frequency if recessive) in Exome Sequencing Project, 1000 Genomes Project, or Exome Aggregation Consortium. PM6 => Assumed de novo, but without confirmation of paternity and maternity (PubMed 27479843) (PubMed 29861108).

OMIM
Classification: Pathogenic for INTELLECTUAL DEVELOPMENTAL DISORDER, AUTOSOMAL DOMINANT 57. Last evaluated: 2022-04-29. Review status: no assertion criteria provided. Collection method: literature only. Allele origin: germline. Not counted in ClinVar's aggregate classification.

Literature cited by the submitters: PubMed 27479843 (cited by SIB Swiss Institute of Bioinformatics and OMIM); PubMed 29861108 (cited by SIB Swiss Institute of Bioinformatics and OMIM).

NM_006852.6(TLK2):c.2092C>T (p.Arg698Ter)

Gene: TLK2 (tousled like kinase 2; plus strand). Cytogenetic location: 17q23.2.
Variant type: single nucleotide variant.
Coding change: c.2092C>T on transcript NM_006852.6 (MANE Select); coding-DNA position 2092, C replaced by T.
Protein change: p.Arg698Ter; replaces arginine 698 with a stop codon.
Molecular consequence: nonsense.
Genome position (GRCh38, 1-based): chr17:62,612,404, C>T. VCF-style: chr17-62612404-C-T. GRCh37 (hg19) VCF-style: chr17-60689765-C-T.
Other names: c.2158C>T, p.Arg720Ter (NM_001284333.3); c.1996C>T, p.Arg666Ter (NM_001284363.1, NM_001375272.1); c.1645C>T, p.Arg549Ter (NM_001330418.3, NM_001375273.1); c.2134C>T, p.Arg712Ter (NM_001375269.1); c.2092C>T, p.Arg698Ter (NM_001375270.1, NM_001375271.1); short protein forms R698*, R666*, R549*, R720*, R712*.
Identifiers: ClinVar variation 489247 (VCV000489247.6), dbSNP rs1555669421, ClinGen allele CA400516144.